The following is an entry in ClinVar:

NM_033656.4(BRWD1):c.523C>T (p.His175Tyr)

Gene: BRWD1 (bromodomain and WD repeat domain containing 1; minus strand). Cytogenetic location: 21q22.2.
Variant type: single nucleotide variant.
Coding change: c.523C>T on transcript NM_033656.4 (MANE Select); coding-DNA position 523, C replaced by T.
Protein change: p.His175Tyr; replaces histidine 175 with tyrosine.
Molecular consequence: missense variant.
Genome position (GRCh38, 1-based): chr21:39,295,829, G>A on the plus strand (C>T on the coding strand, the complement: BRWD1 is on the minus strand). VCF-style: chr21-39295829-G-A. GRCh37 (hg19) VCF-style: chr21-40667755-G-A.
Other names: c.523C>T, p.His175Tyr (NM_018963.5); short protein forms H175Y.
Identifiers: ClinVar variation 982436 (VCV000982436.3), dbSNP rs1472467905, ClinGen allele CA410279889.

ClinVar aggregate classification (germline): Conflicting classifications of pathogenicity. Review status: no assertion criteria provided (0 of 4 stars). 2 submissions from 2 submitters: Pathogenic (1); Uncertain significance (1). Last evaluated 2023-06-27.

Conditions:
Situs inversus. Also called: Situs inversus totalis. Identifiers: Orphanet 101063, MedGen C4551493, MONDO:0010029, HP:0001696.
Bronchiectasis. Identifiers: MedGen C0006267, MONDO:0004822, HP:0002110.
Male infertility. Identifiers: MedGen C0021364, MeSH D007248, MONDO:0005372, HP:0003251.
Recurrent sinusitis. Identifiers: MedGen C0581354, HP:0011108.
Recurrent otitis media. Identifiers: MedGen C0747085, HP:0000403.
Ciliary dyskinesia, primary, 51 (CILD51). Identifiers: MedGen C5830608, MONDO:0957396, OMIM 620438.

Allele frequency attached by ClinVar (database versions not stated): gnomAD exomes 0.00001 and 0.00002.
gnomAD v4.1: 7 of 1,611,654 alleles (0.00043%); highest among the groups gnomAD compares: East Asian, 0.016%; no homozygotes.

Submissions (2):

OMIM
Classification: Pathogenic for CILIARY DYSKINESIA, PRIMARY, 51. Last evaluated: 2023-06-27. Review status: no assertion criteria provided. Collection method: literature only. Allele origin: germline.

Research Unit of Respiratory Disease, The Second Xiangya Hospital of Central South University
Classification: Uncertain significance for Male infertility; Situs inversus; Bronchiectasis; Recurrent sinusitis; Recurrent otitis media. Last evaluated: 2020-10-19. Review status: no assertion criteria provided. Collection method: research. Allele origin: paternal. Inheritance: Autosomal recessive inheritance. Affected: yes. Observed: 1 variant allele, 1 homozygote.
Comment: Whole exome and Sanger sequencing identified a homozygous missense variant (NM_018963.5:c.523C>T, p.(His175Tyr)) in the BRWD1 gene in a consanguineous family. The variant was absent in the 1000 Genomes Project (1000G), the NHLBI â€œGrand Opportunityâ€ Exome Sequencing Project (GO-ESP). It was predicted to be deleterious by Mutation taster, SIFT, PolyPhen-2, and CADD (PHRED-scaled score = 34). According to the American College of Medical Genetics and Genomics (ACMG) guideline interpretation, this missense variant in BRWD1 was evaluated as uncertain significance.

Literature cited by the submitters: PubMed 33389130 (cited by OMIM).